The following is an entry in ClinVar:

ClinVar aggregate classification (germline): Uncertain significance (1 of 4 stars; one submission).

Submission:

Labcorp Genetics (formerly Invitae), Labcorp
Classification: Uncertain significance. Last evaluated: 2025-11-09. Review status: criteria provided, single submitter. Criteria: Invitae Variant Classification Sherloc (09022015). Collection method: clinical testing. Allele origin: germline.
Comment: This sequence change replaces alanine, which is neutral and non-polar, with proline, which is neutral and non-polar, at codon 4 of the RASA2 protein (p.Ala4Pro). This variant is not present in population databases (gnomAD no frequency). This variant has not been reported in the literature in individuals affected with RASA2-related conditions. Experimental studies and prediction algorithms are not available or were not evaluated, and the functional significance of this variant is currently unknown. In summary, the available evidence is currently insufficient to determine the role of this variant in disease. Therefore, it has been classified as a Variant of Uncertain Significance.

NM_006506.5(RASA2):c.10G>C (p.Ala4Pro)

Genes: RASA2 (RAS p21 protein activator 2; plus strand), LOC129937686 (ATAC-STARR-seq lymphoblastoid silent region 14777; plus strand). Cytogenetic location: 3q23.
Variant type: single nucleotide variant.
Coding change: c.10G>C on transcript NM_006506.5 (MANE Select); coding-DNA position 10, G replaced by C.
Protein change: p.Ala4Pro; replaces alanine 4 with proline.
Molecular consequence: missense variant.
Genome position (GRCh38, 1-based): chr3:141,487,093, G>C. VCF-style: chr3-141487093-G-C. GRCh37 (hg19) VCF-style: chr3-141205935-G-C.
Other names: c.10G>C, p.Ala4Pro (NM_001303245.3, NM_001303246.3); short protein forms A4P.
Identifiers: ClinVar variation 4773702 (VCV004773702.1).